The following is an entry in ClinVar:

NM_201384.3(PLEC):c.13568C>A (p.Ser4523Tyr)

Gene: PLEC (plectin; minus strand). Cytogenetic location: 8q24.3.
Variant type: single nucleotide variant.
Coding change: c.13568C>A on transcript NM_201384.3 (MANE Select); coding-DNA position 13568, C replaced by A.
Protein change: p.Ser4523Tyr; replaces serine 4523 with tyrosine.
Molecular consequence: missense variant.
Genome position (GRCh38, 1-based): chr8:143,916,253, G>T on the plus strand (C>A on the coding strand, the complement: PLEC is on the minus strand). VCF-style: chr8-143916253-G-T. GRCh37 (hg19) VCF-style: chr8-144990421-G-T.
Other names: p.Ser4550Tyr; c.13649C>A, p.Ser4550Tyr (NM_000445.5); c.10268C>A, p.Ser3423Tyr (NM_001410941.1); c.13526C>A, p.Ser4509Tyr (NM_201378.4); c.13502C>A, p.Ser4501Tyr (NM_201379.3); c.13979C>A, p.Ser4660Tyr (NM_201380.4); c.13472C>A, p.Ser4491Tyr (NM_201381.3); c.13568C>A, p.Ser4523Tyr (NM_201382.4); and 2 more; short protein forms S4501Y, S3423Y, S4550Y, S4491Y, S4509Y, S4527Y, S4660Y, S4523Y.
Identifiers: ClinVar variation 2040693 (VCV002040693.8), dbSNP rs782566104, ClinGen allele CA4923757.
Genomic context (GRCh38, chr8:143,916,253, plus strand): 5'-TCAGGGCCCCCCAGGGAGGCCGAGGACCCCGAGGCGTAGCGGCGGCCGTAGCCCGAGGAG[G>T]AGTAGGAGGATGAAGAGAAGGTCATGGAGAAGCCGGAGCCGGTGGCGTCAAAGCTGCCGC-3'
Protein context (NP_958786.1, residues 4513-4533): FSMTFSSSSY[Ser4523Tyr]SSGYGRRYAS

ClinVar aggregate classification (germline): Uncertain significance. Review status: criteria provided, multiple submitters, no conflicts (2 of 4 stars). 5 submissions from 5 submitters: Uncertain significance (5). Last evaluated 2025-11-20.

Conditions:
Inborn genetic diseases. Identifiers: MedGen C0950123, MeSH D030342.
Epidermolysis bullosa simplex 5B, with muscular dystrophy (EBS5B). Also called: Epidermolysis bullosa simplex with muscular dystrophy; EPIDERMOLYSIS BULLOSA SIMPLEX AND LIMB-GIRDLE MUSCULAR DYSTROPHY. Identifiers: Orphanet 257, MedGen C2931072, MONDO:0009181, OMIM 226670.
Epidermolysis bullosa simplex, Ogna type (EBS5A). Also called: Pidermolysis bullosa simplex 5A, Ogna type; EPIDERMOLYSIS BULLOSA SIMPLEX 5A, OGNA TYPE. Identifiers: Orphanet 79401, MedGen C0432317, MONDO:0007555, OMIM 131950.
Epidermolysis bullosa simplex 5C, with pyloric atresia (EBS5C). Also called: PLEC-Related Epidermolysis Bullosa with Pyloric Atresia; Epidermolysis bullosa simplex with pyloric atresia; PLEC1-Related Epidermolysis Bullosa with Pyloric Atresia. Identifiers: Orphanet 158684, MedGen C2677349, MONDO:0012807, OMIM 612138.
Autosomal recessive limb-girdle muscular dystrophy type 2Q (LGMDR17). Also called: MUSCULAR DYSTROPHY, LIMB-GIRDLE, AUTOSOMAL RECESSIVE 17. Identifiers: Orphanet 254361, MedGen C3150989, MONDO:0013390, OMIM 613723.
Epidermolysis bullosa simplex with nail dystrophy (EBS5D). Identifiers: MedGen C4225309, MONDO:0014661, OMIM 616487.

Allele frequency attached by ClinVar (database versions not stated): TOPMed 0.00003; gnomAD 0.00004; ExAC 0.00017.
gnomAD v4.1: 127 of 1,548,368 alleles (0.0082%); highest among the groups gnomAD compares: Non-Finnish European, 0.011%; no homozygotes.

Submissions (5):

Ambry Genetics
Classification: Uncertain significance for Inborn genetic diseases. Last evaluated: 2025-11-20. Review status: criteria provided, single submitter. Criteria: Ambry Variant Classification Scheme 2023. Collection method: clinical testing. Allele origin: germline.

Labcorp Genetics (formerly Invitae), Labcorp
Classification: Uncertain significance for Autosomal recessive limb-girdle muscular dystrophy type 2Q; Epidermolysis bullosa simplex, Ogna type; Epidermolysis bullosa simplex with nail dystrophy; Epidermolysis bullosa simplex 5C, with pyloric atresia; Epidermolysis bullosa simplex 5B, with muscular dystrophy. Last evaluated: 2025-07-30. Review status: criteria provided, single submitter. Criteria: Invitae Variant Classification Sherloc (09022015). Collection method: clinical testing. Allele origin: germline.
Comment: This sequence change replaces serine, which is neutral and polar, with tyrosine, which is neutral and polar, at codon 4550 of the PLEC protein (p.Ser4550Tyr). This variant is present in population databases (rs782566104, gnomAD 0.02%). This variant has not been reported in the literature in individuals affected with PLEC-related conditions. ClinVar contains an entry for this variant (Variation ID: 2040693). Invitae Evidence Modeling of protein sequence and biophysical properties (such as structural, functional, and spatial information, amino acid conservation, physicochemical variation, residue mobility, and thermodynamic stability) indicates that this missense variant is not expected to disrupt PLEC protein function with a negative predictive value of 80%. In summary, the available evidence is currently insufficient to determine the role of this variant in disease. Therefore, it has been classified as a Variant of Uncertain Significance.

Revvity Omics, Revvity
Classification: Uncertain significance. Last evaluated: 2025-05-16. Review status: criteria provided, single submitter. Criteria: ACMG Guidelines, 2015. Collection method: clinical testing. Allele origin: germline.

GeneDx
Classification: Uncertain significance. Last evaluated: 2024-07-11. Review status: criteria provided, single submitter. Criteria: GeneDx Variant Classification Process June 2021. Collection method: clinical testing. Allele origin: germline. Affected: yes.
Comment: In silico analysis supports that this missense variant has a deleterious effect on protein structure/function; Missense variant in a gene in which most reported pathogenic variants are truncating/loss of function; Has not been previously published as pathogenic or benign to our knowledge

Mayo Clinic Laboratories, Mayo Clinic
Classification: Uncertain significance. Last evaluated: 2023-06-27. Review status: criteria provided, single submitter. Criteria: ACMG Guidelines, 2015. Collection method: clinical testing. Allele origin: germline. Observed: 1 variant allele.